The following is an entry in ClinVar:

ClinVar aggregate classification (germline): Conflicting classifications of pathogenicity. Review status: criteria provided, conflicting classifications (1 of 4 stars). 3 submissions from 3 submitters: Uncertain significance (1); Likely benign (1). 1 of the submissions does not count toward it. Last evaluated 2024-09-06.

Conditions:
Inborn genetic diseases. Identifiers: MedGen C0950123, MeSH D030342.
Dyskeratosis congenita, autosomal recessive 5 (DKCB5). Identifiers: MedGen C3554656, MONDO:0014076, OMIM 615190.
Pulmonary fibrosis and/or bone marrow failure, Telomere-related, 3. Also called: PULMONARY FIBROSIS AND/OR BONE MARROW FAILURE SYNDROME, TELOMERE-RELATED, 3. Identifiers: Orphanet 2032, MedGen C4225346, MONDO:0014613, OMIM 616373.
Dyskeratosis congenita. Identifiers: Orphanet 1775, MedGen C0265965, MONDO:0015780.

Allele frequency attached by ClinVar (database versions not stated): TOPMed 0.00001.

Submissions (3):

Labcorp Genetics (formerly Invitae), Labcorp
Classification: Uncertain significance for Dyskeratosis congenita, autosomal recessive 5; Pulmonary fibrosis and/or bone marrow failure, Telomere-related, 3. Last evaluated: 2024-09-06. Review status: criteria provided, single submitter. Criteria: Invitae Variant Classification Sherloc (09022015). Collection method: clinical testing. Allele origin: germline.
Comment: This sequence change replaces threonine, which is neutral and polar, with serine, which is neutral and polar, at codon 997 of the RTEL1 protein (p.Thr997Ser). This variant is not present in population databases (gnomAD no frequency). This variant has not been reported in the literature in individuals affected with RTEL1-related conditions. ClinVar contains an entry for this variant (Variation ID: 968115). An algorithm developed to predict the effect of missense changes on protein structure and function outputs the following: PolyPhen-2: "Benign". The serine amino acid residue is found in multiple mammalian species, which suggests that this missense change does not adversely affect protein function. Algorithms developed to predict the effect of sequence changes on RNA splicing suggest that this variant may disrupt the consensus splice site. In summary, the available evidence is currently insufficient to determine the role of this variant in disease. Therefore, it has been classified as a Variant of Uncertain Significance.

Ambry Genetics
Classification: Likely benign for Inborn genetic diseases. Last evaluated: 2022-01-26. Review status: criteria provided, single submitter. Criteria: Ambry Variant Classification Scheme 2023. Collection method: clinical testing. Allele origin: germline.

Natera, Inc.
Classification: Uncertain significance for Dyskeratosis congenita. Last evaluated: 2021-07-12. Review status: no assertion criteria provided. Collection method: clinical testing. Allele origin: germline. Not counted in ClinVar's aggregate classification.

NM_001283009.2(RTEL1):c.2990C>G (p.Thr997Ser)

Genes: RTEL1 (regulator of telomere elongation helicase 1; plus strand), RTEL1-TNFRSF6B (RTEL1-TNFRSF6B readthrough (NMD candidate); plus strand). Cytogenetic location: 20q13.33.
Variant type: single nucleotide variant.
Coding change: c.2990C>G on transcript NM_001283009.2 (MANE Select); coding-DNA position 2990, C replaced by G.
Protein change: p.Thr997Ser; replaces threonine 997 with serine.
Molecular consequence: missense variant. On other transcripts: non-coding transcript variant (1).
Genome position (GRCh38, 1-based): chr20:63,693,281, C>G. VCF-style: chr20-63693281-C-G. GRCh37 (hg19) VCF-style: chr20-62324634-C-G.
Other names: c.3062C>G (NM_032957.4); c.2321C>G, p.Thr774Ser (NM_001283010.1); c.2990C>G, p.Thr997Ser (NM_016434.4); c.3062C>G, p.Thr1021Ser (NM_032957.5); short protein forms T997S, T1021S, T774S.
Identifiers: ClinVar variation 968115 (VCV000968115.10), dbSNP rs1046295138, ClinGen allele CA317522409.
Genomic context (GRCh38, chr20:63,693,281, plus strand): 5'-GCTATCGGCCTGAGCACAGCATTCCCCGAAGGCAGCGGGCACAGCCGGTCCTGGACCCCA[C>G]TGGTAAATGGGGCCCCAGGTGGGACCCTCAGACTCCTGCGTGGAAGGCAGTGTGGGCCAG-3'
Protein context (NP_001269938.1, residues 987-1007): RQRAQPVLDP[Thr997Ser]GRTAPDPKLT